The following is an entry in ClinVar:

NM_000051.4(ATM):c.1235+1del

Gene: ATM (ATM serine/threonine kinase; plus strand). Cytogenetic location: 11q22.3.
Variant type: Deletion.
Coding change: c.1235+1del on transcript NM_000051.4 (MANE Select); the canonical splice donor site of the intron after coding-DNA position 1235, one base deleted (G; older notation c.1235+1delG).
Molecular consequence: splice donor variant.
Genome position (GRCh38, 1-based): chr11:108,249,103, G deleted; the last of 2 consecutive G bases (chr11:108,249,102-108,249,103); deleting either gives the same sequence. VCF-style (leftmost placement, unchanged base first): chr11-108249101-TG-T. GRCh37 (hg19) VCF-style: chr11-108119828-TG-T.
Other names: c.1235+1del (NM_001351834.2); c.1235+1delG (NM_000051.3).
Identifiers: ClinVar variation 265578 (VCV000265578.2), dbSNP rs886039640, ClinGen allele CA10588489.

ClinVar aggregate classification (germline): Likely pathogenic (1 of 4 stars; one submission).

Submission:

GeneDx
Classification: Likely pathogenic. Last evaluated: 2016-05-17. Review status: criteria provided, single submitter. Criteria: GeneDx Variant Classification (06012015). Collection method: clinical testing. Allele origin: germline. Affected: yes.
Comment: This variant is denoted ATM c.1235+1delG or IVS9+1delG and consists of a deletion of the guanine (G) nucleotide at the +1 position of intron 9 of the ATM gene. The normal sequence, with the base that is deleted in braces, is CTTG[g]taaa, where the capital letters are exonic and lowercase are intronic. This variant destroys a canonical splice donor site and is predicted to cause abnormal gene splicing, leading to either an abnormal message that is subject to nonsense-mediated mRNA decay or to an abnormal protein product. This variant has not, to our knowledge, been published in the literature. Based on the currently available information, we consider ATM c.1235+1delG to be a likely pathogenic variant.